The following is an entry in ClinVar:

ClinVar aggregate classification (germline): Uncertain significance (1 of 4 stars; one submission).

Submission:

GeneDx
Classification: Uncertain significance. Last evaluated: 2026-04-24. Review status: criteria provided, single submitter. Criteria: GeneDx Variant Classification Process June 2021. Collection method: clinical testing. Allele origin: germline.
Comment: Has not been previously published as pathogenic or benign to our knowledge; No data available from control populations to assess the frequency of this variant; In silico analysis suggests this variant may impact gene splicing; in the absence of RNA/functional studies, the actual effect of this sequence change is unknown; Reported using an alternate transcript of the gene

NM_032638.5(GATA2):c.-45-1272G>C

Genes: GATA2 (GATA binding protein 2; minus strand), LOC117038771 (CRISPRi-FlowFISH-validated H1-10 regulatory element 2; plus strand). Cytogenetic location: 3q21.3.
Variant type: single nucleotide variant.
Coding change: c.-45-1272G>C on transcript NM_032638.5 (MANE Select); 1272 bases into the intron before 45 bases upstream of the start codon, G replaced by C.
Molecular consequence: intron variant.
Genome position (GRCh38, 1-based): chr3:128,488,348, C>G on the plus strand (G>C on the coding strand, the complement: GATA2 is on the minus strand). VCF-style: chr3-128488348-C-G. GRCh37 (hg19) VCF-style: chr3-128207191-C-G.
Other names: c.-257+4G>C (NM_001145661.2).
Identifiers: ClinVar variation 3897408 (VCV003897408.2).